The following is an entry in ClinVar:

NM_000487.6(ARSA):c.256C>T (p.Arg86Trp)

Gene: ARSA (arylsulfatase A; minus strand). Cytogenetic location: 22q13.33.
Variant type: single nucleotide variant.
Coding change: c.256C>T on transcript NM_000487.6 (MANE Select); coding-DNA position 256, C replaced by T.
Protein change: p.Arg86Trp; replaces arginine 86 with tryptophan.
Molecular consequence: missense variant. On other transcripts: 5 prime UTR variant (2).
Genome position (GRCh38, 1-based): chr22:50,627,375, G>A on the plus strand (C>T on the coding strand, the complement: ARSA is on the minus strand). VCF-style: chr22-50627375-G-A. GRCh37 (hg19) VCF-style: chr22-51065803-G-A.
Other names: c.256C>T, p.Arg86Trp (NM_001085425.3, NM_001085426.3, NM_001085427.3); c.-3C>T (NM_001085428.3, NM_001362782.2); short protein forms R86W.
Identifiers: ClinVar variation 68126 (VCV000068126.15), dbSNP rs199476352, ClinGen allele CA219008.

ClinVar aggregate classification (germline): Pathogenic. Review status: criteria provided, multiple submitters, no conflicts (2 of 4 stars). 5 submissions from 5 submitters: Pathogenic (3). 2 of the submissions do not count toward it. Last evaluated 2025-03-09.

Conditions:
Frontotemporal dementia (FTD1). Also called: FRONTOTEMPORAL DEMENTIA WITH PARKINSONISM; FRONTOTEMPORAL LOBE DEMENTIA; MULTIPLE SYSTEM TAUOPATHY WITH PRESENILE DEMENTIA; FTLD WITH TAU INCLUSIONS; Frontotemporal lobe dementia (FLDEM); WILHELMSEN-LYNCH DISEASE. Identifiers: Orphanet 282, MedGen C0338451, MONDO:0017276, OMIM 600274, HP:0002145.
Metachromatic leukodystrophy (MLD). Also called: ARSA DEFICIENCY; CEREBROSIDE SULFATASE DEFICIENCY; METACHROMATIC LEUKOENCEPHALOPATHY; Cerebral sclerosis diffuse metachromatic form; Arylsulfatase A Deficiency; SULFATIDE LIPIDOSIS. Identifiers: Orphanet 512, MedGen C0023522, MONDO:0018868, OMIM 250100.

Allele frequency attached by ClinVar (database versions not stated): gnomAD 0.00001; TOPMed 0.00002.

Submissions (5):

Labcorp Genetics (formerly Invitae), Labcorp
Classification: Pathogenic for Metachromatic leukodystrophy. Last evaluated: 2025-03-09. Review status: criteria provided, single submitter. Criteria: Invitae Variant Classification Sherloc (09022015). Collection method: clinical testing. Allele origin: germline.
Comment: This sequence change replaces arginine, which is basic and polar, with tryptophan, which is neutral and slightly polar, at codon 86 of the ARSA protein (p.Arg86Trp). This variant is not present in population databases (gnomAD no frequency). This missense change has been observed in individual(s) with metachromatic leukodystrophy (PMID: 10477432, 18786133). This variant is also known as c.399C>T, p.R84W. ClinVar contains an entry for this variant (Variation ID: 68126). Invitae Evidence Modeling of protein sequence and biophysical properties (such as structural, functional, and spatial information, amino acid conservation, physicochemical variation, residue mobility, and thermodynamic stability) indicates that this missense variant is expected to disrupt ARSA protein function with a positive predictive value of 95%. This variant disrupts the p.Arg86 amino acid residue in ARSA. Other variant(s) that disrupt this residue have been determined to be pathogenic (PMID: 1353340, 12809637, 18693274, 26462614). This suggests that this residue is clinically significant, and that variants that disrupt this residue are likely to be disease-causing. For these reasons, this variant has been classified as Pathogenic.

Women's Health and Genetics/Laboratory Corporation of America, LabCorp
Classification: Pathogenic for Metachromatic leukodystrophy. Last evaluated: 2021-12-22. Review status: criteria provided, single submitter. Criteria: LabCorp Variant Classification Summary - May 2015. Collection method: clinical testing. Allele origin: germline.
Comment: Variant summary: ARSA c.256C>T (p.Arg86Trp) results in a non-conservative amino acid change in the encoded protein sequence. Four of four in-silico tools predict a damaging effect of the variant on protein function. The variant was absent in 225598 control chromosomes (gnomAD). The variant, c.256C>T (aka. c250C>T (Arg84Trp)) has been reported in the literature in multiple homozygous and compound heterozygous individuals affected with Metachromatic Leukodystrophy (e.g. Biffi_2008, Fumagalli_2021). These data indicate that the variant is very likely to be associated with disease. Publications also reported experimental evidence evaluating an impact on protein function, and demonstrated about 6% residual activity (Biffi_2008, Cesani_2009). Three clinical diagnostic laboratories have submitted clinical-significance assessments for this variant to ClinVar, and classified the variant as pathogenic (n=2) or VUS (n=1). Based on the evidence outlined above, the variant was classified as pathogenic.

Myriad Genetics, Inc.
Classification: Pathogenic for Metachromatic leukodystrophy. Last evaluated: 2021-11-16. Review status: criteria provided, single submitter. Criteria: Myriad Women's Health Autosomal Recessive and X-Linked Classification Criteria (2021). Collection method: clinical testing. Allele origin: unknown.
Comment: NM_000487.5(ARSA):c.256C>T(R86W) is a missense variant classified as pathogenic in the context of metachromatic leukodystrophy. R86W has been observed in cases with relevant disease (PMID: 10477432, 18786133, 31694723, 26462614, 25965562, 23559313, 16678723, 26131420). Functional assessments of this variant are available in the literature (PMID: 18786133). R86W has been observed in population frequency databases (gnomAD: NFE 0.007%). In summary, NM_000487.5(ARSA):c.256C>T(R86W) is a missense variant that has functional support for pathogenicity and has been observed more frequently in cases with the relevant disease than in healthy populations. Please note: this variant was assessed in the context of healthy population screening.

UniProtKB/Swiss-Prot
No classification provided. Review status: no classification provided. Collection method: not provided. Allele origin: not provided. Not counted in ClinVar's aggregate classification.

HudsonAlpha Institute for Biotechnology
Classification: Uncertain significance for Frontotemporal dementia. Last evaluated: 2019-10-28. Review status: flagged submission. Criteria: ACMG Guidelines, 2015. Collection method: research. Allele origin: unknown. Affected: yes. Not counted in ClinVar's aggregate classification.
ClinVar note: Reason: Outlier claim with insufficient supporting evidence

Literature cited by the submitters: PubMed 10477432 (cited by Labcorp Genetics (formerly Invitae), Labcorp and Myriad Genetics, Inc.); PubMed 18786133 (cited by 3 submitters); PubMed 1353340 (cited by Labcorp Genetics (formerly Invitae), Labcorp); PubMed 12809637 (cited by Labcorp Genetics (formerly Invitae), Labcorp); PubMed 18693274 (cited by Labcorp Genetics (formerly Invitae), Labcorp); PubMed 26462614 (cited by Labcorp Genetics (formerly Invitae), Labcorp and Myriad Genetics, Inc.); PubMed 19606494 (cited by Women's Health and Genetics/Laboratory Corporation of America, LabCorp); PubMed 33855715 (cited by Women's Health and Genetics/Laboratory Corporation of America, LabCorp); PubMed 16678723 (cited by Myriad Genetics, Inc.); PubMed 31694723 (cited by Myriad Genetics, Inc.); PubMed 26131420 (cited by Myriad Genetics, Inc.); PubMed 25965562 (cited by Myriad Genetics, Inc.); PubMed 23559313 (cited by Myriad Genetics, Inc.).